The following is an entry in ClinVar:

NM_002693.3(POLG):c.191C>G (p.Ser64Trp)

Genes: POLG (DNA polymerase gamma, catalytic subunit; minus strand), POLGARF (POLG alternative reading frame; minus strand). Cytogenetic location: 15q26.1.
Variant type: single nucleotide variant.
Coding change: c.191C>G on transcript NM_002693.3 (MANE Select); coding-DNA position 191, C replaced by G.
Protein change: p.Ser64Trp; replaces serine 64 with tryptophan.
Molecular consequence: missense variant.
Genome position (GRCh38, 1-based): chr15:89,333,564, G>C on the plus strand (C>G on the coding strand, the complement: POLG is on the minus strand). VCF-style: chr15-89333564-G-C. GRCh37 (hg19) VCF-style: chr15-89876795-G-C.
Other names: c.191C>G, p.Ser64Trp (NM_001126131.2); short protein forms S64W.
Identifiers: ClinVar variation 619412 (VCV000619412.5), dbSNP rs1397887879, ClinGen allele CA10602210.

ClinVar aggregate classification (germline): Uncertain significance. Review status: criteria provided, multiple submitters, no conflicts (2 of 4 stars). 4 submissions from 4 submitters: Uncertain significance (4). Last evaluated 2025-06-19.

Conditions:
Progressive external ophthalmoplegia with mitochondrial DNA deletions, autosomal dominant 1 (PEOA1). Also called: Autosomal Dominant Progressive External Ophthalmoplegia (adPEO); PROGRESSIVE EXTERNAL OPHTHALMOPLEGIA, AUTOSOMAL DOMINANT 1. Identifiers: MedGen C1834846, MONDO:0024528, OMIM 157640.
Progressive sclerosing poliodystrophy (MTDPS4A). Also called: Alpers-Huttenlocher Syndrome (AHS); Alpers Syndrome; ALPERS PROGRESSIVE INFANTILE POLIODYSTROPHY; Mitochondrial DNA depletion syndrome 4A (Alpers type); ALPERS DIFFUSE DEGENERATION OF CEREBRAL GRAY MATTER WITH HEPATIC CIRRHOSIS; Alpers-Huttenlocher Syndrome. Identifiers: Orphanet 726, MedGen C0205710, MONDO:0008758, OMIM 203700.
Mitochondrial DNA depletion syndrome 4b. Also called: Mitochondrial Neurogastrointestinal Encephalopathy Disease, POLG-Related; MNGIE, POLG-RELATED. Identifiers: Orphanet 298, MedGen C3150914, MONDO:0013350, OMIM 613662.
Sensory ataxic neuropathy, dysarthria, and ophthalmoparesis (SANDO). Also called: Ataxia Neuropathy Spectrum (ANS); Sensory ataxic neuropathy-dysarthria-ophthalmoparesis syndrome; SENSORY ATAXIC NEUROPATHY WITH MITOCHONDRIAL DNA DELETIONS, AUTOSOMAL RECESSIVE; Epilepsy, progressive myoclonic, type 5. Identifiers: Orphanet 70595, MedGen C1843851, MONDO:0011835, OMIM 607459.
Progressive external ophthalmoplegia with mitochondrial DNA deletions, autosomal recessive 1 (PEOB1). Also called: Progressive external ophthalmoplegia, autosomal recessive 1; Autosomal Recessive Progressive External Ophthalmoplegia (arPEO). Identifiers: Orphanet 254886, MedGen C4225153, MONDO:0009783, OMIM 258450.

Allele frequency attached by ClinVar (database versions not stated): gnomAD 0.00001.
gnomAD v4.1: 1 of 1,610,934 alleles (0.000062%); highest among the groups gnomAD compares: African/African-American, 0.0013%; no homozygotes.

Submissions (4):

Labcorp Genetics (formerly Invitae), Labcorp
Classification: Uncertain significance for Progressive sclerosing poliodystrophy. Last evaluated: 2025-06-19. Review status: criteria provided, single submitter. Criteria: Invitae Variant Classification Sherloc (09022015). Collection method: clinical testing. Allele origin: germline.
Comment: This sequence change replaces serine, which is neutral and polar, with tryptophan, which is neutral and slightly polar, at codon 64 of the POLG protein (p.Ser64Trp). This variant is present in population databases (no rsID available, gnomAD 0.01%). This variant has not been reported in the literature in individuals affected with POLG-related conditions. ClinVar contains an entry for this variant (Variation ID: 619412). Invitae Evidence Modeling of protein sequence and biophysical properties (such as structural, functional, and spatial information, amino acid conservation, physicochemical variation, residue mobility, and thermodynamic stability) indicates that this missense variant is expected to disrupt POLG protein function with a positive predictive value of 80%. In summary, the available evidence is currently insufficient to determine the role of this variant in disease. Therefore, it has been classified as a Variant of Uncertain Significance.

GeneDx
Classification: Uncertain significance. Last evaluated: 2024-08-23. Review status: criteria provided, single submitter. Criteria: GeneDx Variant Classification Process June 2021. Collection method: clinical testing. Allele origin: germline. Affected: yes.
Comment: Not observed at significant frequency in large population cohorts (gnomAD); In silico analysis indicates that this missense variant does not alter protein structure/function; Has not been previously published as pathogenic or benign to our knowledge

Fulgent Genetics
Classification: Uncertain significance for Progressive external ophthalmoplegia with mitochondrial DNA deletions, autosomal dominant 1; Progressive sclerosing poliodystrophy; Progressive external ophthalmoplegia with mitochondrial DNA deletions, autosomal recessive 1; Sensory ataxic neuropathy, dysarthria, and ophthalmoparesis; Mitochondrial DNA depletion syndrome 4b. Last evaluated: 2024-06-04. Review status: criteria provided, single submitter. Criteria: ACMG Guidelines, 2015. Collection method: clinical testing. Allele origin: germline.

Wong Mito Lab, Molecular and Human Genetics, Baylor College of Medicine
Classification: Uncertain significance for Progressive sclerosing poliodystrophy. Last evaluated: 2018-10-01. Review status: criteria provided, single submitter. Criteria: ACMG Guidelines, 2015. Collection method: clinical testing. Allele origin: germline.
Comment: The NM_002693.2:c.191C>G (NP_002684.1:p.Ser64Trp) [GRCH38: NC_000015.10:g.89333564G>C] variant in POLG gene is interpretated to be a Uncertain Significance based on ACMG guidelines (PMID: 25741868). This variant meets the following evidence codes reported in the ACMG-guideline. PP3:Computational evidence/predictors indicate the variant has deleterious effect on POLG structure, function, or protein-protein interaction. PM2:This variant is absent in key population databases. Based on the evidence criteria codes applied, the variant is suggested to be Uncertain Significance.